The following is an entry in ClinVar:

NM_002691.4(POLD1):c.292C>A (p.Gln98Lys)

Gene: POLD1 (DNA polymerase delta 1, catalytic subunit; plus strand). Cytogenetic location: 19q13.33.
Variant type: single nucleotide variant.
Coding change: c.292C>A on transcript NM_002691.4 (MANE Select); coding-DNA position 292, C replaced by A.
Protein change: p.Gln98Lys; replaces glutamine 98 with lysine.
Molecular consequence: missense variant. On other transcripts: non-coding transcript variant (1).
Genome position (GRCh38, 1-based): chr19:50,399,460, C>A. VCF-style: chr19-50399460-C-A. GRCh37 (hg19) VCF-style: chr19-50902717-C-A.
Other names: c.292C>A (NM_002691.2); c.292C>A, p.Gln98Lys (NM_001256849.1, NM_001308632.1); short protein forms Q98K.
Identifiers: ClinVar variation 3637999 (VCV003637999.3).

ClinVar aggregate classification (germline): Uncertain significance. Review status: criteria provided, multiple submitters, no conflicts (2 of 4 stars). 2 submissions from 2 submitters: Uncertain significance (2). Last evaluated 2026-02-24.

Conditions:
Hereditary cancer-predisposing syndrome. Also called: Neoplastic Syndromes, Hereditary; Tumor predisposition; Hereditary Cancer Syndrome; Hereditary neoplastic syndrome. Identifiers: Orphanet 140162, MedGen C0027672, MeSH D009386, MONDO:0015356.
POLD1-related polyposis and colorectal cancer syndrome (CRCS10). Also called: Colorectal cancer 10; COLORECTAL CANCER, SUSCEPTIBILITY TO, ON CHROMOSOME 19q; Colorectal cancer, susceptibility to, 10. Identifiers: Orphanet 220460, MedGen C2675481, MONDO:0012953, OMIM 612591.

Submissions (2):

Ambry Genetics
Classification: Uncertain significance for Hereditary cancer-predisposing syndrome. Last evaluated: 2026-02-24. Review status: criteria provided, single submitter. Criteria: Ambry Variant Classification Scheme 2023. Collection method: clinical testing. Allele origin: germline.
Comment: The p.Q98K variant (also known as c.292C>A), located in coding exon 2 of the POLD1 gene, results from a C to A substitution at nucleotide position 292. The glutamine at codon 98 is replaced by lysine, an amino acid with similar properties. This amino acid position is conserved. In addition, this alteration is predicted to be tolerated by in silico analysis. Based on the available evidence, the clinical significance of this variant remains unclear.

Labcorp Genetics (formerly Invitae), Labcorp
Classification: Uncertain significance for POLD1-related polyposis and colorectal cancer syndrome. Last evaluated: 2024-02-01. Review status: criteria provided, single submitter. Criteria: Invitae Variant Classification Sherloc (09022015). Collection method: clinical testing. Allele origin: germline.
Comment: This sequence change replaces glutamine, which is neutral and polar, with lysine, which is basic and polar, at codon 98 of the POLD1 protein (p.Gln98Lys). This variant is not present in population databases (gnomAD no frequency). This variant has not been reported in the literature in individuals affected with POLD1-related conditions. Advanced modeling of protein sequence and biophysical properties (such as structural, functional, and spatial information, amino acid conservation, physicochemical variation, residue mobility, and thermodynamic stability) performed at Invitae indicates that this missense variant is not expected to disrupt POLD1 protein function with a negative predictive value of 80%. In summary, the available evidence is currently insufficient to determine the role of this variant in disease. Therefore, it has been classified as a Variant of Uncertain Significance.